The following is an entry in ClinVar:

ClinVar aggregate classification (germline): Pathogenic/Likely pathogenic. Review status: criteria provided, multiple submitters, no conflicts (2 of 4 stars). 2 submissions from 2 submitters: Pathogenic (1); Likely pathogenic (1). Last evaluated 2025-03-04.

Conditions:
Breast-ovarian cancer, familial, susceptibility to, 1 (BROVCA1). Also called: BRCA1 Hereditary Breast and Ovarian Cancer; OVARIAN CANCER, SUSCEPTIBILITY TO. Identifiers: Orphanet 145, MedGen C2676676, MONDO:0011450, OMIM 604370. Disease mechanism: loss of function.

Submissions (2):

Center for Genomic Medicine, Rigshospitalet, Copenhagen University Hospital
Classification: Likely pathogenic. Last evaluated: 2025-03-04. Review status: criteria provided, single submitter. Criteria: ACMG Guidelines, 2015. Collection method: clinical testing. Allele origin: germline.

Myriad Genetics, Inc.
Classification: Pathogenic for Breast-ovarian cancer, familial, susceptibility to, 1. Last evaluated: 2023-08-29. Review status: criteria provided, single submitter. Criteria: Myriad Autosomal Dominant, Autosomal Recessive and X-Linked Classification Criteria (2023). Collection method: clinical testing. Allele origin: unknown.
Comment: This variant is considered pathogenic. This variant creates a frameshift predicted to result in premature protein truncation.

NM_007294.4(BRCA1):c.2607dup (p.Ala870fs)

Gene: BRCA1 (BRCA1 DNA repair associated; minus strand). Cytogenetic location: 17q21.31.
Variant type: Duplication.
Coding change: c.2607dup on transcript NM_007294.4 (MANE Select); coding-DNA position 2607, one base duplicated (T; older notation c.2607dupT).
Protein change: p.Ala870fs; shifts the reading frame from alanine 870.
Molecular consequence: frameshift variant. On other transcripts: intron variant (137).
Genome position (GRCh38, 1-based): chr17:43,092,924, A duplicated on the plus strand (T on the coding strand, the reverse complement: BRCA1 is on the minus strand); the first of 3 consecutive A bases (chr17:43,092,924-43,092,926); duplicating any one gives the same sequence. VCF-style (leftmost placement, unchanged base first): chr17-43092923-C-CA. GRCh37 (hg19) VCF-style: chr17-41244940-C-CA.
Other names: c.2394dup, p.Ala799fs (NM_001407895.1, NM_001407896.1, NM_001407897.1 and 9 more transcripts); c.2397dup, p.Ala800fs (NM_001407900.1, NM_001407902.1, NM_001407904.1 and 13 more transcripts); c.2484dup, p.Ala829fs (NM_001407919.1, NM_001407648.1, NM_001407664.1 and 19 more transcripts); c.2607dup, p.Ala870fs (NM_001407640.1, NM_001407641.1, NM_001407642.1 and 30 more transcripts); c.2604dup, p.Ala869fs (NM_001407644.1, NM_001407645.1, NM_001407587.1 and 22 more transcripts); c.2598dup, p.Ala867fs (NM_001407646.1, NM_001407647.1); c.2481dup, p.Ala828fs (NM_001407649.1, NM_001407688.1, NM_001407689.1 and 11 more transcripts); c.2529dup, p.Ala844fs (NM_001407653.1, NM_001407654.1, NM_001407655.1 and 4 more transcripts); and 42 more; short protein forms A574fs, A702fs, A742fs, A743fs, A758fs, A759fs, A781fs, A782fs.
Identifiers: ClinVar variation 2674457 (VCV002674457.3), dbSNP rs2552186265, ClinGen allele CA2695201345.
Genomic context (GRCh38, chr17:43,092,923, plus strand): 5'-CAGAGTGGGCAGAGAATGTTGCACATTCCTCTTCTGCATTTCCTGGATTTGAAAACGGAG[C>CA]AAATGACTGGCGCTTTGAAACCTTGAATGTATTCTGCAAATACTGAGCATCAAGTTCACT-3'